The following is an entry in ClinVar:

NM_000628.5(IL10RB):c.682A>T (p.Met228Leu)

Genes: IFNAR2-IL10RB (IFNAR2-IL10RB readthrough; plus strand), IL10RB (interleukin 10 receptor subunit beta; plus strand). Cytogenetic location: 21q22.11.
Variant type: single nucleotide variant.
Coding change: c.682A>T on transcript NM_000628.5 (MANE Select); coding-DNA position 682, A replaced by T.
Protein change: p.Met228Leu; replaces methionine 228 with leucine.
Molecular consequence: missense variant.
Genome position (GRCh38, 1-based): chr21:33,288,139, A>T. VCF-style: chr21-33288139-A-T. GRCh37 (hg19) VCF-style: chr21-34660444-A-T.
Other names: short protein forms M228L.
Identifiers: ClinVar variation 1466054 (VCV001466054.6), dbSNP rs376920653, ClinGen allele CA320150035.

ClinVar aggregate classification (germline): Uncertain significance (1 of 4 stars; one submission).

Conditions:
Inflammatory bowel disease 25. Also called: Inflammatory bowel disease 25, early onset, autosomal recessive. Identifiers: Orphanet 238569, MedGen C2675508, MONDO:0012941, OMIM 612567.

Allele frequency attached by ClinVar (database versions not stated): ESP Exome Variant Server 0.00008.

Submission:

Labcorp Genetics (formerly Invitae), Labcorp
Classification: Uncertain significance for Inflammatory bowel disease 25. Last evaluated: 2023-08-04. Review status: criteria provided, single submitter. Criteria: Invitae Variant Classification Sherloc (09022015). Collection method: clinical testing. Allele origin: germline.
Comment: This variant has not been reported in the literature in individuals affected with IL10RB-related conditions. In summary, the available evidence is currently insufficient to determine the role of this variant in disease. Therefore, it has been classified as a Variant of Uncertain Significance. Advanced modeling of protein sequence and biophysical properties (such as structural, functional, and spatial information, amino acid conservation, physicochemical variation, residue mobility, and thermodynamic stability) performed at Invitae indicates that this missense variant is not expected to disrupt IL10RB protein function. This variant is not present in population databases (gnomAD no frequency). This sequence change replaces methionine, which is neutral and non-polar, with leucine, which is neutral and non-polar, at codon 228 of the IL10RB protein (p.Met228Leu).